The following is an entry in ClinVar:

ClinVar aggregate classification (germline): Uncertain significance. Review status: criteria provided, multiple submitters, no conflicts (2 of 4 stars). 2 submissions from 2 submitters: Uncertain significance (2). Last evaluated 2023-09-22.

Conditions:
Hereditary cancer-predisposing syndrome. Also called: Neoplastic Syndromes, Hereditary; Tumor predisposition; Hereditary Cancer Syndrome; Hereditary neoplastic syndrome. Identifiers: Orphanet 140162, MedGen C0027672, MeSH D009386, MONDO:0015356.
Ataxia-telangiectasia-like disorder (ATLD). Identifiers: MedGen C1858391, MONDO:0011457.

gnomAD v4.1: 2 of 1,613,576 alleles (0.00012%); highest among the groups gnomAD compares: Non-Finnish European, 0.00017%; no homozygotes.

Submissions (2):

Ambry Genetics
Classification: Uncertain significance for Hereditary cancer-predisposing syndrome. Last evaluated: 2023-09-22. Review status: criteria provided, single submitter. Criteria: Ambry Variant Classification Scheme 2023. Collection method: clinical testing. Allele origin: germline.
Comment: The p.I418T variant (also known as c.1253T>C), located in coding exon 11 of the MRE11A gene, results from a T to C substitution at nucleotide position 1253. The isoleucine at codon 418 is replaced by threonine, an amino acid with similar properties. This amino acid position is not well conserved in available vertebrate species. In addition, this alteration is predicted to be tolerated by in silico analysis. Since supporting evidence is limited at this time, the clinical significance of this alteration remains unclear.

Labcorp Genetics (formerly Invitae), Labcorp
Classification: Uncertain significance for Ataxia-telangiectasia-like disorder. Last evaluated: 2022-11-01. Review status: criteria provided, single submitter. Criteria: Invitae Variant Classification Sherloc (09022015). Collection method: clinical testing. Allele origin: germline.
Comment: In summary, the available evidence is currently insufficient to determine the role of this variant in disease. Therefore, it has been classified as a Variant of Uncertain Significance. Algorithms developed to predict the effect of missense changes on protein structure and function (SIFT, PolyPhen-2, Align-GVGD) all suggest that this variant is likely to be tolerated. ClinVar contains an entry for this variant (Variation ID: 483644). This variant has not been reported in the literature in individuals affected with MRE11-related conditions. This variant is not present in population databases (gnomAD no frequency). This sequence change replaces isoleucine, which is neutral and non-polar, with threonine, which is neutral and polar, at codon 418 of the MRE11 protein (p.Ile418Thr).

NM_005591.4(MRE11):c.1253T>C (p.Ile418Thr)

Gene: MRE11 (MRE11 double strand break repair nuclease; minus strand). Cytogenetic location: 11q21.
Variant type: single nucleotide variant.
Coding change: c.1253T>C on transcript NM_005591.4 (MANE Select); coding-DNA position 1253, T replaced by C.
Protein change: p.Ile418Thr; replaces isoleucine 418 with threonine.
Molecular consequence: missense variant.
Genome position (GRCh38, 1-based): chr11:94,461,009, A>G on the plus strand (T>C on the coding strand, the complement: MRE11 is on the minus strand). VCF-style: chr11-94461009-A-G. GRCh37 (hg19) VCF-style: chr11-94194175-A-G.
Other names: c.1253T>C, p.Ile418Thr (NM_001330347.2, NM_005590.4); short protein forms I418T.
Identifiers: ClinVar variation 483644 (VCV000483644.8), dbSNP rs769500356, ClinGen allele CA382372422.